The following is an entry in ClinVar:

ClinVar aggregate classification (germline): Benign (1 of 4 stars; one submission).

Conditions:
Leigh syndrome (NULS). Also called: Leigh's necrotizing encephalopathy; Leigh's disease; Leigh Syndrome (mtDNA deletion); Leigh Disease; Subacute necrotizing encephalopathy; Necrotizing encephalopathy infantile subacute of Leigh. Identifiers: Orphanet 506, MedGen C2931891, MONDO:0009723, OMIM 256000.

Submission:

Wong Mito Lab, Molecular and Human Genetics, Baylor College of Medicine
Classification: Benign for Leigh syndrome. Last evaluated: 2019-10-17. Review status: criteria provided, single submitter. Criteria: Modified ACMG Guidelines (Unpublished). Collection method: clinical testing. Allele origin: germline.
Comment: The NC_012920.1:m.5463C>T (YP_003024027.1:p.Leu332Phe) variant in MTND2 gene is interpretated to be a Benign variant based on the modified ACMG guidelines (unpublished). This variant meets the following evidence codes: BS1, BS2, BP4

NC_012920.1(MT-ND2):m.5463C>T

Gene: MT-ND2 (mitochondrially encoded NADH dehydrogenase 2; plus strand).
Variant type: single nucleotide variant.
Genome position: chrM-5463-C-T.
Identifiers: ClinVar variation 692592 (VCV000692592.1), dbSNP rs1556422993, ClinGen allele CA414780451.
Genomic context (GRCh38, chrMT:5,463, plus strand): 5'-AAAATAAAATGACAGTTTGAACATACAAAACCCACCCCATTCCTCCCCACACTCATCGCC[C>T]TTACCACGCTACTCCTACCTATCTCCCCTTTTATACTAATAATCTTATAGAAATTTAGGT-3'